The following is an entry in ClinVar:

NM_000147.5(FUCA1):c.969+1G>T

Gene: FUCA1 (alpha-L-fucosidase 1; minus strand). Cytogenetic location: 1p36.11.
Variant type: single nucleotide variant.
Coding change: c.969+1G>T on transcript NM_000147.5 (MANE Select); the canonical splice donor site of the intron after coding-DNA position 969, G replaced by T.
Molecular consequence: splice donor variant.
Genome position (GRCh38, 1-based): chr1:23,854,359, C>A on the plus strand (G>T on the coding strand, the complement: FUCA1 is on the minus strand). VCF-style: chr1-23854359-C-A. GRCh37 (hg19) VCF-style: chr1-24180849-C-A.
Identifiers: ClinVar variation 2749012 (VCV002749012.3), dbSNP rs1570679652, ClinGen allele CA339038269.
Genomic context (GRCh38, chr1:23,854,359, plus strand): 5'-TAAATCATACTGCATGTTAAAAAAAAAAAAACAAAAACAAAAAACTCAAAGGTGCTCTTA[C>A]CGAAATGATTTCAGATTCTTCTGTAACATCAGACAATGCCATGTCACGACGATAGCCCCA-3'

ClinVar aggregate classification (germline): Pathogenic (1 of 4 stars; one submission).

Conditions:
Fucosidosis. Also called: ALPHA-L-FUCOSIDASE DEFICIENCY. Identifiers: Orphanet 349, MedGen C0016788, MONDO:0009254, OMIM 230000.

Submission:

Labcorp Genetics (formerly Invitae), Labcorp
Classification: Pathogenic for Fucosidosis. Last evaluated: 2024-01-18. Review status: criteria provided, single submitter. Criteria: Invitae Variant Classification Sherloc (09022015). Collection method: clinical testing. Allele origin: germline.
Comment: This sequence change affects a donor splice site in intron 5 of the FUCA1 gene. It is expected to disrupt RNA splicing. Variants that disrupt the donor or acceptor splice site typically lead to a loss of protein function (PMID: 16199547), and loss-of-function variants in FUCA1 are known to be pathogenic (PMID: 10094192). This variant is not present in population databases (gnomAD no frequency). Disruption of this splice site has been observed in individual(s) with fucosidosis (PMID: 8097260). Disruption of this splice site is also described as "a homozygous G>A transition in the first position of the 5' splice site of intron 5". Algorithms developed to predict the effect of sequence changes on RNA splicing suggest that this variant may disrupt the consensus splice site. For these reasons, this variant has been classified as Pathogenic.

Literature cited by the submitters: PubMed 16199547; PubMed 10094192; PubMed 8097260.